The following is an entry in ClinVar:

NM_004727.3(SLC24A1):c.1889A>C (p.Lys630Thr)

Gene: SLC24A1 (solute carrier family 24 member 1; plus strand). Cytogenetic location: 15q22.31.
Variant type: single nucleotide variant.
Coding change: c.1889A>C on transcript NM_004727.3 (MANE Select); coding-DNA position 1889, A replaced by C.
Protein change: p.Lys630Thr; replaces lysine 630 with threonine.
Molecular consequence: missense variant.
Genome position (GRCh38, 1-based): chr15:65,625,969, A>C. VCF-style: chr15-65625969-A-C. GRCh37 (hg19) VCF-style: chr15-65918307-A-C.
Other names: c.1889A>C (NM_004727.2); c.1889A>C, p.Lys630Thr (NM_001301031.1, NM_001301032.1, NM_001301033.2); short protein forms K630T.
Identifiers: ClinVar variation 1009122 (VCV001009122.7), dbSNP rs766647775, ClinGen allele CA7619988.

ClinVar aggregate classification (germline): Uncertain significance. Review status: criteria provided, multiple submitters, no conflicts (2 of 4 stars). 4 submissions from 4 submitters: Uncertain significance (4). Last evaluated 2024-04-19.

Conditions:
Inborn genetic diseases. Identifiers: MedGen C0950123, MeSH D030342.

Allele frequency attached by ClinVar (database versions not stated): gnomAD exomes below 0.00001; ExAC 0.00001; gnomAD 0.00002; TOPMed 0.00002.

Submissions (4):

Blueprint Genetics
Classification: Uncertain significance. Last evaluated: 2024-04-19. Review status: criteria provided, single submitter. Criteria: ACMG Guidelines, 2015. Collection method: clinical testing. Allele origin: germline.

Ambry Genetics
Classification: Uncertain significance for Inborn genetic diseases. Last evaluated: 2023-05-30. Review status: criteria provided, single submitter. Criteria: Ambry Variant Classification Scheme 2023. Collection method: clinical testing. Allele origin: germline.

Labcorp Genetics (formerly Invitae), Labcorp
Classification: Uncertain significance. Last evaluated: 2021-11-23. Review status: criteria provided, single submitter. Criteria: Invitae Variant Classification Sherloc (09022015). Collection method: clinical testing. Allele origin: germline.
Comment: This sequence change replaces lysine, which is basic and polar, with threonine, which is neutral and polar, at codon 630 of the SLC24A1 protein (p.Lys630Thr). This variant is present in population databases (rs766647775, gnomAD 0.0009%). This variant has not been reported in the literature in individuals affected with SLC24A1-related conditions. ClinVar contains an entry for this variant (Variation ID: 1009122). Algorithms developed to predict the effect of missense changes on protein structure and function are either unavailable or do not agree on the potential impact of this missense change (SIFT: "Tolerated"; PolyPhen-2: "Possibly Damaging"; Align-GVGD: "Class C0"). In summary, the available evidence is currently insufficient to determine the role of this variant in disease. Therefore, it has been classified as a Variant of Uncertain Significance.

Breakthrough Genomics
Classification: Uncertain significance. Review status: criteria provided, single submitter. Criteria: ACMG Guidelines, 2015. Collection method: not provided. Allele origin: germline. Inheritance: Autosomal recessive inheritance. Affected: yes.